The following is an entry in ClinVar:

ClinVar aggregate classification (germline): Benign. Review status: criteria provided, multiple submitters, no conflicts (2 of 4 stars). 5 submissions from 4 submitters: Benign (5). Last evaluated 2024-07-31.

Conditions:
Autosomal recessive spastic paraplegia type 78. Identifiers: Orphanet 513436, MedGen C5567893, MONDO:0014975, OMIM 617225.
Kufor-Rakeb syndrome (KRS). Also called: PARKINSON DISEASE 9, AUTOSOMAL RECESSIVE, JUVENILE-ONSET. Identifiers: Orphanet 306674, Orphanet 314632, MedGen C1847640, MONDO:0011706, OMIM 606693.

Allele frequency attached by ClinVar (database versions not stated): 1000 Genomes Project 30x 0.78998; 1000 Genomes Project 0.79253; gnomAD 0.80661 and 0.80687; TOPMed 0.80821; gnomAD exomes 0.82439.
gnomAD v4.1: 1,288,307 of 1,566,436 alleles (82%); highest among the groups gnomAD compares: Admixed American, 88%; 530,914 homozygotes.

Submissions (5):

Unidad de Genómica Garrahan, Hospital de Pediatría Garrahan
Classification: Benign. Last evaluated: 2024-07-31. Review status: criteria provided, single submitter. Criteria: ACMG Guidelines, 2015. Collection method: clinical testing. Allele origin: germline. Affected: no. Observed: 93 variant alleles.
Comment: This variant is classified as Benign based on local population frequency. This variant was detected in 100% of patients studied in a panel designed for Epileptic and Developmental Encephalopathy, Progressive Myoclonus Epilepsy and Abnormal Movements and Neurodegeneration with brain iron accumulation. Number of patients: 93. Only high quality variants are reported.

Genome-Nilou Lab
Classification: Benign for Kufor-Rakeb syndrome. Last evaluated: 2021-07-14. Review status: criteria provided, single submitter. Criteria: ACMG Guidelines, 2015. Collection method: clinical testing. Allele origin: germline. Affected: no.

Genome-Nilou Lab
Classification: Benign for Autosomal recessive spastic paraplegia type 78. Last evaluated: 2021-07-14. Review status: criteria provided, single submitter. Criteria: ACMG Guidelines, 2015. Collection method: clinical testing. Allele origin: germline. Affected: no.

GeneDx
Classification: Benign. Last evaluated: 2018-07-05. Review status: criteria provided, single submitter. Criteria: GeneDx Variant Classification Process June 2021. Collection method: clinical testing. Allele origin: germline. Affected: yes.

Breakthrough Genomics
Classification: Benign. Review status: criteria provided, single submitter. Criteria: ACMG Guidelines, 2015. Collection method: not provided. Allele origin: germline. Inheritance: Autosomal recessive inheritance. Affected: yes.

NM_022089.4(ATP13A2):c.1195+66A>G

Gene: ATP13A2 (ATPase cation transporting 13A2; minus strand). Cytogenetic location: 1p36.13.
Variant type: single nucleotide variant.
Coding change: c.1195+66A>G on transcript NM_022089.4 (MANE Select); 66 bases into the intron after coding-DNA position 1195, A replaced by G.
Molecular consequence: intron variant.
Genome position (GRCh38, 1-based): chr1:16,996,954, T>C on the plus strand (A>G on the coding strand, the complement: ATP13A2 is on the minus strand). VCF-style: chr1-16996954-T-C. GRCh37 (hg19) VCF-style: chr1-17323449-T-C.
Other names: c.1180+66A>G (NM_001141974.3, NM_001141973.3).
Identifiers: ClinVar variation 1192485 (VCV001192485.8), dbSNP rs9435736, ClinGen allele CA10662048.